The following is an entry in ClinVar:

ClinVar aggregate classification (germline): Conflicting classifications of pathogenicity. Review status: criteria provided, conflicting classifications (1 of 4 stars). 4 submissions from 4 submitters: Likely pathogenic (3); Uncertain significance (1). Last evaluated 2025-06-25.

Conditions:
MYBPC3-related disorder. Also called: MYBPC3-related disorders; MYBPC3-related condition; MYBPC3-related disease.
Cardiovascular phenotype. Identifiers: MedGen CN230736.
Cardiomyopathy (CMYO). Also called: Cardiomyopathies. Identifiers: Orphanet 167848, MedGen C0878544, MONDO:0004994, HP:0001638. Inheritance: Various modes of inheritance.
Hypertrophic cardiomyopathy. Also called: HYPERTROPHIC MYOCARDIOPATHY. Identifiers: Orphanet 217569, MedGen C0007194, MeSH D002312, MONDO:0005045, HP:0001639.

Submissions (4):

Color Diagnostics, LLC DBA Color Health
Classification: Uncertain significance for Cardiomyopathy. Last evaluated: 2025-06-25. Review status: criteria provided, single submitter. Criteria: ACMG Guidelines, 2015. Collection method: clinical testing. Allele origin: germline.
Comment: This variant causes an in-frame deletion of three aminos acid at exon 25 of the MYBPC3 protein. To our knowledge, functional studies have not been reported for this variant. This variant has been reported in three individuals affected with hypertrophic cardiomyopathy (PMID: 25611685, 27532257, 33673806, 33495597). This variant has not been identified in the general population by the Genome Aggregation Database (gnomAD). The available evidence is insufficient to determine the role of this variant in disease conclusively. Therefore, this variant is classified as a Variant of Uncertain Significance.

Molecular Diagnostic Laboratory for Inherited Cardiovascular Disease, Montreal Heart Institute
Classification: Likely pathogenic for Cardiovascular phenotype. Last evaluated: 2024-08-16. Review status: criteria provided, single submitter. Criteria: ACMG Guidelines, 2015. Collection method: clinical testing. Allele origin: germline. Affected: yes.
Comment: PS4_mod, PM2, PM4

Blueprint Genetics
Classification: Likely pathogenic for MYBPC3-related disorders. Last evaluated: 2023-03-21. Review status: criteria provided, single submitter. Criteria: ACMG Guidelines, 2015. Collection method: clinical testing. Allele origin: germline. Affected: yes. Observed: 4 variant alleles.

Laboratory for Molecular Medicine, Mass General Brigham Personalized Medicine
Classification: Likely pathogenic for Hypertrophic cardiomyopathy. Last evaluated: 2012-02-21. Review status: criteria provided, single submitter. Criteria: LMM Criteria. Collection method: clinical testing. Allele origin: germline. Observed: 1 variant allele.
Comment: The Glu843_Arg845del variant (MYBPC3) has not been reported in the literature no r previously identified in > 3300 probands (>2000 Caucasian) tested by our labor atory. This low frequency supports a pathogenic role. This variant is predicted to cause an in-frame deletion removing a lysine (Lys), methionine (M), and argin ine (Arg) from positions 843-845. These three amino acids are all highly conserv ed in mammals and evolutionarily distant species, and the loss of multiple conse rved amino acids is likely to have a severe effect on the protein. In summary, d ue to the rarity of the variant and the severity of the change, the Glu843_Arg84 5del variant is likely to be pathogenic.

Literature cited by the submitters: PubMed 25611685 (cited by Color Diagnostics, LLC DBA Color Health); PubMed 27532257 (cited by Color Diagnostics, LLC DBA Color Health); PubMed 33495597 (cited by Color Diagnostics, LLC DBA Color Health); PubMed 33673806 (cited by Color Diagnostics, LLC DBA Color Health).

NM_000256.3(MYBPC3):c.2528_2536del (p.Glu843_Arg845del)

Gene: MYBPC3 (myosin binding protein C3; minus strand). Cytogenetic location: 11p11.2.
Variant type: Deletion.
Coding change: c.2528_2536del on transcript NM_000256.3 (MANE Select); coding-DNA positions 2528 to 2536, 9 bases deleted (AGATGCGCG; older notation c.2528_2536delAGATGCGCG).
Protein change: p.Glu843_Arg845del.
Molecular consequence: inframe deletion.
Genome position (GRCh38, 1-based): chr11:47,337,457-47,337,465, CGCGCATCT deleted on the plus strand (AGATGCGCG on the coding strand, the reverse complement: MYBPC3 is on the minus strand); deleting any 9 consecutive bases within chr11:47,337,457-47,337,467 gives the same sequence; the c. name uses the placement nearest the transcript's 3' end. VCF-style (leftmost placement, unchanged base first): chr11-47337456-ACGCGCATCT-A. GRCh37 (hg19) VCF-style: chr11-47359007-ACGCGCATCT-A.
Other names: c.2528_2536delAGATGCGCG (NM_000256.3); c.2528_2536del, p.Glu843_Arg845del (LRG_386t1).
Identifiers: ClinVar variation 42634 (VCV000042634.7), dbSNP rs397515972, ClinGen allele CA012493.